The following is an entry in ClinVar:

ClinVar aggregate classification (germline): Likely pathogenic (1 of 4 stars; one submission).

Conditions:
Hereditary cancer-predisposing syndrome. Also called: Tumor predisposition; Hereditary Cancer Syndrome; Neoplastic Syndromes, Hereditary; Hereditary neoplastic syndrome. Identifiers: Orphanet 140162, MedGen C0027672, MeSH D009386, MONDO:0015356.

Submission:

Ambry Genetics
Classification: Likely pathogenic for Hereditary cancer-predisposing syndrome. Last evaluated: 2026-08-26. Review status: criteria provided, single submitter. Criteria: Ambry Variant Classification Scheme 2023. Collection method: clinical testing. Allele origin: germline.
Comment: The p.W777G variant (also known as c.2329T>G), located in coding exon 4 of the MSH6 gene, results from a T to G substitution at nucleotide position 2329. The tryptophan at codon 777 is replaced by glycine, an amino acid with highly dissimilar properties. Another variant at the same codon, p.W777R (c.2329T>A), has been identified in individual(s) with features consistent with Lynch syndrome (Ambry internal data). This amino acid position is highly conserved in available vertebrate species. In addition, this alteration is predicted to be deleterious by in silico analysis. Based on the majority of available evidence to date, this variant is likely to be pathogenic.

NM_000179.3(MSH6):c.2329T>G (p.Trp777Gly)

Gene: MSH6 (mutS homolog 6; plus strand). Cytogenetic location: 2p16.3.
Variant type: single nucleotide variant.
Coding change: c.2329T>G on transcript NM_000179.3 (MANE Select); coding-DNA position 2329, T replaced by G.
Protein change: p.Trp777Gly; replaces tryptophan 777 with glycine.
Molecular consequence: missense variant.
Genome position (GRCh38, 1-based): chr2:47,800,312, T>G. VCF-style: chr2-47800312-T-G. GRCh37 (hg19) VCF-style: chr2-48027451-T-G.
Other names: c.1939T>G, p.Trp647Gly (NM_001281492.2); c.1423T>G, p.Trp475Gly (NM_001281493.2, NM_001281494.2); short protein forms W475G, W647G, W777G.
Identifiers: ClinVar variation 821109 (VCV000821109.5), dbSNP rs267608067, ClinGen allele CA346753329.
Genomic context (GRCh38, chr2:47,800,312, plus strand): 5'-ACCCTACTAGAGAGGGTTGATACTTGCCATACTCCTTTTGGTAAGCGGCTCCTAAAGCAA[T>G]GGCTTTGTGCCCCACTCTGTAACCATTATGCTATTAATGATCGTCTAGATGCCATAGAAG-3'
Protein context (NP_000170.1, residues 767-787): TPFGKRLLKQ[Trp777Gly]LCAPLCNHYA